The following is an entry in ClinVar:

ClinVar aggregate classification (germline): Uncertain significance. Review status: criteria provided, multiple submitters, no conflicts (2 of 4 stars). 5 submissions from 5 submitters: Uncertain significance (5). Last evaluated 2025-11-20.

Conditions:
Bardet-Biedl syndrome (BBS). Identifiers: Orphanet 110, MedGen C0752166, MONDO:0015229.
Inborn genetic diseases. Identifiers: MedGen C0950123, MeSH D030342.
BBS1-related disorder. Also called: BBS1-related condition.
Bardet-Biedl syndrome 1 (BBS1). Identifiers: MedGen C2936862, MONDO:0008854, OMIM 209900. Disease mechanism: loss of function.

Allele frequency attached by ClinVar (database versions not stated): gnomAD 0.00001; TOPMed 0.00001.
gnomAD v4.1: 57 of 1,614,078 alleles (0.0035%); highest among the groups gnomAD compares: Non-Finnish European, 0.0047%; no homozygotes.

Submissions (5):

Ambry Genetics
Classification: Uncertain significance for Inborn genetic diseases. Last evaluated: 2025-11-20. Review status: criteria provided, single submitter. Criteria: Ambry Variant Classification Scheme 2023. Collection method: clinical testing. Allele origin: germline.

PreventionGenetics, part of Exact Sciences
Classification: Uncertain significance for BBS1-related condition. Last evaluated: 2025-10-17. Review status: criteria provided, single submitter. Criteria: ACMG Guidelines, 2015. Collection method: clinical testing. Allele origin: germline.
Comment: The BBS1 c.10G>T variant is predicted to result in the amino acid substitution p.Ala4Ser. To our knowledge, this variant has not been reported in the literature. This variant is reported in 0.0062% of alleles in individuals of African descent in gnomAD. At this time, the clinical significance of this variant is uncertain due to the absence of conclusive functional and genetic evidence.

Labcorp Genetics (formerly Invitae), Labcorp
Classification: Uncertain significance for Bardet-Biedl syndrome. Last evaluated: 2022-07-06. Review status: criteria provided, single submitter. Criteria: Invitae Variant Classification Sherloc (09022015). Collection method: clinical testing. Allele origin: germline.
Comment: This sequence change replaces alanine, which is neutral and non-polar, with serine, which is neutral and polar, at codon 4 of the BBS1 protein (p.Ala4Ser). This variant is present in population databases (rs745375133, gnomAD 0.007%). This variant has not been reported in the literature in individuals affected with BBS1-related conditions. ClinVar contains an entry for this variant (Variation ID: 1379070). Algorithms developed to predict the effect of missense changes on protein structure and function are either unavailable or do not agree on the potential impact of this missense change (SIFT: "Tolerated"; PolyPhen-2: "Not Available"; Align-GVGD: "Class C0"). In summary, the available evidence is currently insufficient to determine the role of this variant in disease. Therefore, it has been classified as a Variant of Uncertain Significance.

Fulgent Genetics
Classification: Uncertain significance for Bardet-Biedl syndrome 1. Last evaluated: 2021-10-27. Review status: criteria provided, single submitter. Criteria: ACMG Guidelines, 2015. Collection method: clinical testing. Allele origin: unknown.

Blueprint Genetics
Classification: Uncertain significance. Last evaluated: 2021-10-08. Review status: criteria provided, single submitter. Criteria: ACMG Guidelines, 2015. Collection method: clinical testing. Allele origin: germline.

NM_024649.5(BBS1):c.10G>T (p.Ala4Ser)

Gene: BBS1 (Bardet-Biedl syndrome 1; plus strand). Cytogenetic location: 11q13.2.
Variant type: single nucleotide variant.
Coding change: c.10G>T on transcript NM_024649.5 (MANE Select); coding-DNA position 10, G replaced by T.
Protein change: p.Ala4Ser; replaces alanine 4 with serine.
Molecular consequence: missense variant.
Genome position (GRCh38, 1-based): chr11:66,510,669, G>T. VCF-style: chr11-66510669-G-T. GRCh37 (hg19) VCF-style: chr11-66278140-G-T.
Other names: c.10G>T (NM_024649.4); short protein forms A4S.
Identifiers: ClinVar variation 1379070 (VCV001379070.7), dbSNP rs745375133, ClinGen allele CA6123178.